The following is an entry in ClinVar:

NM_005321.3(H1-4):c.392dup (p.Ala132fs)

Gene: H1-4 (H1.4 linker histone, cluster member; plus strand). Cytogenetic location: 6p22.2.
Variant type: Duplication.
Coding change: c.392dup on transcript NM_005321.3 (MANE Select); coding-DNA position 392, one base duplicated (C; older notation c.392dupC).
Protein change: p.Ala132fs; shifts the reading frame from alanine 132.
Molecular consequence: frameshift variant.
Genome position (GRCh38, 1-based): chr6:26,156,782, C duplicated; the last of 2 consecutive C bases (chr6:26,156,781-26,156,782); duplicating either gives the same sequence. VCF-style (leftmost placement, unchanged base first): chr6-26156780-G-GC. GRCh37 (hg19) VCF-style: chr6-26157008-G-GC.
Other names: short protein forms A132fs.
Identifiers: ClinVar variation 817291 (VCV000817291.1), dbSNP rs1581429339, ClinGen allele CA915944163.

ClinVar aggregate classification (germline): Pathogenic (1 of 4 stars; one submission).

Submission:

GeneDx
Classification: Pathogenic. Last evaluated: 2018-11-01. Review status: criteria provided, single submitter. Criteria: GeneDx Variant Classification (06012015). Collection method: clinical testing. Allele origin: germline. Affected: yes.
Comment: The c.392dupC variant in the HIST1H1E gene has not been reported previously as a pathogenic variant nor as a benign variant, to our knowledge. The c.392dupC variant causes a frameshift starting with codon Alanine 132, changes this amino acid to a Serine residue, and creates a premature Stop codon at position 64 of the new reading frame, denoted p.Ala132SerfsX64. This variant is predicted to cause loss of normal protein function through protein truncation. The c.392dupC variant is not observed in large population cohorts (Lek et al., 2016). We interpret c.392dupC as a pathogenic variant.